The following is an entry in ClinVar:

NM_014140.4(SMARCAL1):c.369_370del (p.Pro124fs)

Gene: SMARCAL1 (SNF2 related chromatin remodeling annealing helicase 1; plus strand). Cytogenetic location: 2q35.
Variant type: Microsatellite.
Coding change: c.369_370del on transcript NM_014140.4 (MANE Select); coding-DNA positions 369 to 370, 2 bases deleted (TC; older notation c.369_370delTC).
Protein change: p.Pro124fs; shifts the reading frame from proline 124.
Molecular consequence: frameshift variant.
Genome position (GRCh38, 1-based): chr2:216,415,073-216,415,074, TC deleted; deleting any 2 consecutive bases within chr2:216,415,069-216,415,074 gives the same sequence; the c. name uses the placement nearest the transcript's 3' end. VCF-style (leftmost placement, unchanged base first): chr2-216415068-ATC-A. GRCh37 (hg19) VCF-style: chr2-217279791-ATC-A.
Other names: c.369_370del, p.Pro124fs (NM_001127207.2); c.369_370del (NM_014140.3); short protein forms P124fs.
Identifiers: ClinVar variation 804394 (VCV000804394.8), dbSNP rs1574443257, ClinGen allele CA915941699.

ClinVar aggregate classification (germline): Pathogenic/Likely pathogenic. Review status: criteria provided, multiple submitters, no conflicts (2 of 4 stars). 3 submissions from 3 submitters: Pathogenic (1); Likely pathogenic (2). Last evaluated 2025-01-31.

Conditions:
Schimke immuno-osseous dysplasia (SIOD). Also called: Schimke Immunoosseous Dysplasia. Identifiers: Orphanet 1830, MedGen C0877024, MONDO:0009458, OMIM 242900.

Submissions (3):

Natera, Inc.
Classification: Likely pathogenic for Schimke immuno-osseous dysplasia. Last evaluated: 2025-01-31. Review status: criteria provided, single submitter. Criteria: Natera Variant Classification Schema (03/2026). Collection method: clinical testing. Allele origin: germline.
Comment: The c.369_370del variant in SMARCAL1 is a frameshift variant predicted to shift the reading frame beginning at codon 124 and leads to a stop codon 11 codons downstream. This variant is expected to result in nonsense mediated decay, truncation, or a dysfunctional protein product. This variant is rare in the general population with a frequency below the threshold expected for the associated phenotype(s). Given the available evidence, this variant is classified as Likely Pathogenic.

Labcorp Genetics (formerly Invitae), Labcorp
Classification: Pathogenic for Schimke immuno-osseous dysplasia. Last evaluated: 2022-08-22. Review status: criteria provided, single submitter. Criteria: Invitae Variant Classification Sherloc (09022015). Collection method: clinical testing. Allele origin: germline.
Comment: For these reasons, this variant has been classified as Pathogenic. This variant has not been reported in the literature in individuals affected with SMARCAL1-related conditions. This variant is not present in population databases (gnomAD no frequency). This sequence change creates a premature translational stop signal (p.Pro124Serfs*11) in the SMARCAL1 gene. It is expected to result in an absent or disrupted protein product. Loss-of-function variants in SMARCAL1 are known to be pathogenic (PMID: 11799392, 20301550).

Hadassah Hebrew University Medical Center
Classification: Likely pathogenic for Schimke immuno-osseous dysplasia. Last evaluated: 2019-06-20. Review status: criteria provided, single submitter. Criteria: ACMG Guidelines, 2015. Collection method: clinical testing. Allele origin: germline. Inheritance: Autosomal recessive inheritance. Affected: yes.

Literature cited by the submitters: PubMed 11799392 (cited by Labcorp Genetics (formerly Invitae), Labcorp); PubMed 20301550 (cited by Labcorp Genetics (formerly Invitae), Labcorp).